The following is an entry in ClinVar:

NM_000059.4(BRCA2):c.3444G>C (p.Gln1148His)

Gene: BRCA2 (BRCA2 DNA repair associated; plus strand). Cytogenetic location: 13q13.1.
Variant type: single nucleotide variant.
Coding change: c.3444G>C on transcript NM_000059.4 (MANE Select); coding-DNA position 3444, G replaced by C.
Protein change: p.Gln1148His; replaces glutamine 1148 with histidine.
Molecular consequence: missense variant.
Genome position (GRCh38, 1-based): chr13:32,337,799, G>C. VCF-style: chr13-32337799-G-C. GRCh37 (hg19) VCF-style: chr13-32911936-G-C.
Other names: short protein forms Q1148H.
Identifiers: ClinVar variation 491242 (VCV000491242.7), dbSNP rs1555283240, ClinGen allele CA387776646.

ClinVar aggregate classification (germline): Conflicting classifications of pathogenicity. Review status: criteria provided, conflicting classifications (1 of 4 stars). 3 submissions from 3 submitters: Uncertain significance (2); Likely benign (1). Last evaluated 2023-03-23.

Conditions:
Hereditary cancer-predisposing syndrome. Also called: Tumor predisposition; Neoplastic Syndromes, Hereditary; Hereditary Cancer Syndrome; Hereditary neoplastic syndrome. Identifiers: Orphanet 140162, MedGen C0027672, MeSH D009386, MONDO:0015356.
Breast-ovarian cancer, familial, susceptibility to, 2 (BROVCA2). Also called: BRCA2 Hereditary Breast and Ovarian Cancer. Identifiers: Orphanet 145, MedGen C2675520, MONDO:0012933, OMIM 612555. Disease mechanism: loss of function.

Allele frequency attached by ClinVar (database versions not stated): gnomAD exomes below 0.00001.
gnomAD v4.1: 1 of 1,614,060 alleles (0.000062%); highest among the groups gnomAD compares: Non-Finnish European, 0.000085%; no homozygotes.

Submissions (3):

University of Washington Department of Laboratory Medicine, University of Washington
Classification: Likely benign for Hereditary cancer-predisposing syndrome. Last evaluated: 2023-03-23. Review status: criteria provided, single submitter. Criteria: Dines et al. (Genet Med. 2020). Collection method: curation. Allele origin: germline.
Comment: Missense variant in a coldspot region where missense variants are very unlikely to be pathogenic (PMID:31911673).

BRCA2 exon 11 coldspot. Reclassification based on statistical prior probability.

All of Us Research Program, National Institutes of Health
Classification: Uncertain significance for Breast-ovarian cancer, familial, susceptibility to, 2. Last evaluated: 2022-12-20. Review status: criteria provided, single submitter. Criteria: ACMG Guidelines, 2015. Collection method: clinical testing. Allele origin: germline. Inheritance: Autosomal dominant inheritance. Observed: 1 variant allele, 1 heterozygote.
Comment: This study involves interpretation of variants in research participants for the purpose of population health screening. Participant phenotype was not available at the time of variant classification. Additional details can be found in publication PMID: 35346344, PMCID: PMC8962531

Color Diagnostics, LLC DBA Color Health
Classification: Uncertain significance for Hereditary cancer-predisposing syndrome. Last evaluated: 2019-04-24. Review status: criteria provided, single submitter. Criteria: ACMG Guidelines, 2015. Collection method: clinical testing. Allele origin: germline.